The following is an entry in ClinVar:

NM_020937.4(FANCM):c.2401T>C (p.Ser801Pro)

Gene: FANCM (FA complementation group M; plus strand). Cytogenetic location: 14q21.2.
Variant type: single nucleotide variant.
Coding change: c.2401T>C on transcript NM_020937.4 (MANE Select); coding-DNA position 2401, T replaced by C.
Protein change: p.Ser801Pro; replaces serine 801 with proline.
Molecular consequence: missense variant.
Genome position (GRCh38, 1-based): chr14:45,175,155, T>C. VCF-style: chr14-45175155-T-C. GRCh37 (hg19) VCF-style: chr14-45644358-T-C.
Other names: c.2323T>C, p.Ser775Pro (NM_001308133.2); short protein forms S775P, S801P.
Identifiers: ClinVar variation 4075707 (VCV004075707.2).

ClinVar aggregate classification (germline): Uncertain significance. Review status: criteria provided, multiple submitters, no conflicts (2 of 4 stars). 2 submissions from 2 submitters: Uncertain significance (2). Last evaluated 2026-04-26.

Conditions:
Inborn genetic diseases. Identifiers: MedGen C0950123, MeSH D030342.

gnomAD v4.1: 1 of 1,611,770 alleles (0.000062%); no homozygotes.

Submissions (2):

Ambry Genetics
Classification: Uncertain significance for Inborn genetic diseases. Last evaluated: 2026-04-26. Review status: criteria provided, single submitter. Criteria: Ambry Variant Classification Scheme 2023. Collection method: clinical testing. Allele origin: germline.
Comment: The p.S801P variant (also known as c.2401T>C), located in coding exon 14 of the FANCM gene, results from a T to C substitution at nucleotide position 2401. The serine at codon 801 is replaced by proline, an amino acid with similar properties. This amino acid position is conserved. In addition, this alteration is predicted to be tolerated by in silico analysis. Based on the available evidence, the clinical significance of this variant remains unclear.

GeneDx
Classification: Uncertain significance. Last evaluated: 2025-02-14. Review status: criteria provided, single submitter. Criteria: GeneDx Variant Classification Process June 2021. Collection method: clinical testing. Allele origin: germline. Affected: yes.
Comment: Not observed at significant frequency in large population cohorts (gnomAD); In silico analysis indicates that this missense variant does not alter protein structure/function; Has not been previously published as pathogenic or benign to our knowledge